The following is an entry in ClinVar:

NM_017654.4(SAMD9):c.1867T>C (p.Ser623Pro)

Gene: SAMD9 (sterile alpha motif domain containing 9; minus strand). Cytogenetic location: 7q21.2.
Variant type: single nucleotide variant.
Coding change: c.1867T>C on transcript NM_017654.4 (MANE Select); coding-DNA position 1867, T replaced by C.
Protein change: p.Ser623Pro; replaces serine 623 with proline.
Molecular consequence: missense variant.
Genome position (GRCh38, 1-based): chr7:93,104,231, A>G on the plus strand (T>C on the coding strand, the complement: SAMD9 is on the minus strand). VCF-style: chr7-93104231-A-G. GRCh37 (hg19) VCF-style: chr7-92733544-A-G.
Other names: c.1867T>C, p.Ser623Pro (NM_001193307.2); short protein forms S623P.
Identifiers: ClinVar variation 4629968 (VCV004629968.1).

ClinVar aggregate classification (germline): Uncertain significance (1 of 4 stars; one submission).

Conditions:
Inborn genetic diseases. Identifiers: MedGen C0950123, MeSH D030342.

Submission:

Ambry Genetics
Classification: Uncertain significance for Inborn genetic diseases. Last evaluated: 2025-11-26. Review status: criteria provided, single submitter. Criteria: Ambry Variant Classification Scheme 2023. Collection method: clinical testing. Allele origin: germline.
Comment: The p.S623P variant (also known as c.1867T>C), located in coding exon 1 of the SAMD9 gene, results from a T to C substitution at nucleotide position 1867. The serine at codon 623 is replaced by proline, an amino acid with similar properties. This amino acid position is conserved. In addition, this alteration is predicted to be tolerated by in silico analysis. Based on the available evidence, the clinical significance of this variant remains unclear.